The following is an entry in ClinVar:

ClinVar aggregate classification (germline): Uncertain significance. Review status: criteria provided, multiple submitters, no conflicts (2 of 4 stars). 2 submissions from 2 submitters: Uncertain significance (2). Last evaluated 2025-06-22.

Conditions:
Brugada syndrome. Also called: Sudden unexplained nocturnal death syndrome; Sudden Unexplained Death Syndrome; Sudden Unexplained Nocturnal Death Syndrome (SUNDS); Sudden unexpected nocturnal death syndrome. Identifiers: Orphanet 130, MedGen C1142166, MONDO:0015263.
Cardiovascular phenotype. Identifiers: MedGen CN230736.

Allele frequency attached by ClinVar (database versions not stated): gnomAD exomes below 0.00001; ExAC 0.00001.
gnomAD v4.1: 1 of 1,614,190 alleles (0.000062%); highest among the groups gnomAD compares: Admixed American, 0.0017%; no homozygotes.

Submissions (2):

Labcorp Genetics (formerly Invitae), Labcorp
Classification: Uncertain significance for Brugada syndrome. Last evaluated: 2025-06-22. Review status: criteria provided, single submitter. Criteria: Invitae Variant Classification Sherloc (09022015). Collection method: clinical testing. Allele origin: germline.
Comment: This sequence change replaces valine, which is neutral and non-polar, with isoleucine, which is neutral and non-polar, at codon 1344 of the SCN10A protein (p.Val1344Ile). This variant is present in population databases (rs752648254, gnomAD 0.0009%). This variant has not been reported in the literature in individuals affected with SCN10A-related conditions. ClinVar contains an entry for this variant (Variation ID: 1422212). An algorithm developed to predict the effect of missense changes on protein structure and function (PolyPhen-2) suggests that this variant is likely to be tolerated. In summary, the available evidence is currently insufficient to determine the role of this variant in disease. Therefore, it has been classified as a Variant of Uncertain Significance.

Ambry Genetics
Classification: Uncertain significance for Cardiovascular phenotype. Last evaluated: 2022-01-19. Review status: criteria provided, single submitter. Criteria: Ambry Variant Classification Scheme 2023. Collection method: clinical testing. Allele origin: germline.
Comment: The p.V1344I variant (also known as c.4030G>A), located in coding exon 22 of the SCN10A gene, results from a G to A substitution at nucleotide position 4030. The valine at codon 1344 is replaced by isoleucine, an amino acid with highly similar properties. This amino acid position is conserved. In addition, the in silico prediction for this alteration is inconclusive. Since supporting evidence is limited at this time, the clinical significance of this alteration remains unclear.

NM_006514.4(SCN10A):c.4030G>A (p.Val1344Ile)

Gene: SCN10A (sodium voltage-gated channel alpha subunit 10; minus strand). Cytogenetic location: 3p22.2.
Variant type: single nucleotide variant.
Coding change: c.4030G>A on transcript NM_006514.4 (MANE Select); coding-DNA position 4030, G replaced by A.
Protein change: p.Val1344Ile; replaces valine 1344 with isoleucine.
Molecular consequence: missense variant.
Genome position (GRCh38, 1-based): chr3:38,712,220, C>T on the plus strand (G>A on the coding strand, the complement: SCN10A is on the minus strand). VCF-style: chr3-38712220-C-T. GRCh37 (hg19) VCF-style: chr3-38753711-C-T.
Other names: c.4027G>A, p.Val1343Ile (NM_001293306.2); c.3736G>A, p.Val1246Ile (NM_001293307.2); short protein forms V1246I, V1343I, V1344I.
Identifiers: ClinVar variation 1422212 (VCV001422212.10), dbSNP rs752648254, ClinGen allele CA2320051.